The following is an entry in ClinVar:

NM_024852.4(AGO3):c.2241C>T (p.Phe747=)

Gene: AGO3 (argonaute RISC catalytic component 3; plus strand). Cytogenetic location: 1p34.3.
Variant type: single nucleotide variant.
Coding change: c.2241C>T on transcript NM_024852.4 (MANE Select); coding-DNA position 2241, C replaced by T.
Protein change: p.Phe747=; no amino-acid change (phenylalanine 747 retained).
Molecular consequence: synonymous variant.
Genome position (GRCh38, 1-based): chr1:36,043,515, C>T. VCF-style: chr1-36043515-C-T. GRCh37 (hg19) VCF-style: chr1-36509116-C-T.
Other names: c.1539C>T, p.Phe513= (NM_177422.3).
Identifiers: ClinVar variation 3052619 (VCV003052619.2), dbSNP rs145947091, ClinGen allele CA763928.

ClinVar aggregate classification (germline): Likely benign (0 of 4 stars; one submission).

Conditions:
AGO3-related disorder. Also called: AGO3-related condition.

Allele frequency attached by ClinVar (database versions not stated): gnomAD exomes 0.00045; 1000 Genomes Project 30x 0.00047; ExAC 0.00054; 1000 Genomes Project 0.00060; gnomAD 0.00113; TOPMed 0.00113; ESP Exome Variant Server 0.00161.
gnomAD v4.1: 829 of 1,613,432 alleles (0.051%); highest among the groups gnomAD compares: African/African-American, 0.32%; 1 homozygote.

Submission:

PreventionGenetics, part of Exact Sciences
Classification: Likely benign for AGO3-related condition. Last evaluated: 2019-04-05. Review status: no assertion criteria provided. Collection method: clinical testing. Allele origin: germline.
Comment: This variant is classified as likely benign based on ACMG/AMP sequence variant interpretation guidelines (Richards et al. 2015 PMID: 25741868, with internal and published modifications).